The following is an entry in ClinVar:

ClinVar aggregate classification (germline): Benign/Likely benign. Review status: criteria provided, multiple submitters, no conflicts (2 of 4 stars). 4 submissions from 4 submitters: Benign (1); Likely benign (3). Last evaluated 2026-03-31.

Conditions:
Inborn genetic diseases. Identifiers: MedGen C0950123, MeSH D030342.
Schuurs-Hoeijmakers syndrome. Also called: PACS1-Related Neurodevelopmental Disorder. Identifiers: Orphanet 329224, MedGen C3554343, MONDO:0014006, OMIM 615009.

Allele frequency attached by ClinVar (database versions not stated): gnomAD 0.00001; gnomAD exomes 0.00002; ESP Exome Variant Server 0.00008; TOPMed 0.00002; ExAC 0.00002.
gnomAD v4.1: 151 of 1,613,740 alleles (0.0094%); highest among the groups gnomAD compares: Middle Eastern, 0.016%; no homozygotes.

Submissions (4):

Ambry Genetics
Classification: Likely benign for Inborn genetic diseases. Last evaluated: 2026-03-31. Review status: criteria provided, single submitter. Criteria: Ambry Variant Classification Scheme 2023. Collection method: clinical testing. Allele origin: germline.

Labcorp Genetics (formerly Invitae), Labcorp
Classification: Benign for Schuurs-Hoeijmakers syndrome. Last evaluated: 2026-01-05. Review status: criteria provided, single submitter. Criteria: Invitae Variant Classification Sherloc (09022015). Collection method: clinical testing. Allele origin: germline.

GeneDx
Classification: Likely benign. Last evaluated: 2020-10-21. Review status: criteria provided, single submitter. Criteria: GeneDx Variant Classification Process June 2021. Collection method: clinical testing. Allele origin: germline. Affected: yes.
Comment: In silico analysis, which includes splice predictors and evolutionary conservation, supports a deleterious effect; Has not been previously published as pathogenic or benign to our knowledge

Genetic Services Laboratory, University of Chicago
Classification: Likely benign. Last evaluated: 2015-03-04. Review status: criteria provided, single submitter. Criteria: ACMG Guidelines, 2015. Collection method: clinical testing. Allele origin: germline.

NM_018026.4(PACS1):c.2776+5G>A

Gene: PACS1 (phosphofurin acidic cluster sorting protein 1; plus strand). Cytogenetic location: 11q13.2.
Variant type: single nucleotide variant.
Coding change: c.2776+5G>A on transcript NM_018026.4 (MANE Select); 5 bases into the intron after coding-DNA position 2776, G replaced by A.
Molecular consequence: intron variant.
Genome position (GRCh38, 1-based): chr11:66,243,036, G>A. VCF-style: chr11-66243036-G-A. GRCh37 (hg19) VCF-style: chr11-66010507-G-A.
Identifiers: ClinVar variation 211815 (VCV000211815.13), dbSNP rs371976817, ClinGen allele CA207653.
Genomic context (GRCh38, chr11:66,243,036, plus strand): 5'-TGAAGGCATCAGCCGCCTCATCTGCTCAGCCAAGCAGCAGCAGACTATGCTGAGAGGTGC[G>A]AGGGCAGGCAGGGCCGGGAGGAGGGCAAGAAAGGGACTGGAGAGGGAGGCAGGCAATGGC-3'